The following is an entry in ClinVar:

ClinVar aggregate classification (germline): Pathogenic (1 of 4 stars; one submission).

Conditions:
Hereditary cancer-predisposing syndrome. Also called: Neoplastic Syndromes, Hereditary; Tumor predisposition; Hereditary neoplastic syndrome; Hereditary Cancer Syndrome. Identifiers: Orphanet 140162, MedGen C0027672, MeSH D009386, MONDO:0015356.

Submission:

Ambry Genetics
Classification: Pathogenic for Hereditary cancer-predisposing syndrome. Last evaluated: 2024-02-02. Review status: criteria provided, single submitter. Criteria: Ambry Variant Classification Scheme 2023. Collection method: clinical testing. Allele origin: germline.
Comment: The c.1616_1617dupAA pathogenic mutation, located in coding exon 17 of the RB1 gene, results from a duplication of AA at nucleotide positions 1616 to 1617, causing a translational frameshift with a predicted alternate stop codon (p.G540Kfs*4). This variant is considered to be rare based on population cohorts in the Genome Aggregation Database (gnomAD). This alteration is expected to result in loss of function by premature protein truncation or nonsense-mediated mRNA decay. As such, this alteration is interpreted as a disease-causing mutation.

NM_000321.3(RB1):c.1616_1617dup (p.Gly540fs)

Gene: RB1 (RB transcriptional corepressor 1; plus strand). Cytogenetic location: 13q14.2.
Variant type: Duplication.
Coding change: c.1616_1617dup on transcript NM_000321.3 (MANE Select); coding-DNA positions 1616 to 1617, 2 bases duplicated (AA; older notation c.1616_1617dupAA).
Protein change: p.Gly540fs; shifts the reading frame from glycine 540.
Molecular consequence: frameshift variant.
Genome position (GRCh38, 1-based): chr13:48,381,364-48,381,365, AA duplicated. VCF-style (leftmost placement, unchanged base first): chr13-48381363-G-GAA. GRCh37 (hg19) VCF-style: chr13-48955499-G-GAA.
Other names: c.1616_1617dup, p.Gly540fs (NM_001407165.1, NM_001407166.1); c.1616_1617dupAA (NM_000321.2); short protein forms G540fs.
Identifiers: ClinVar variation 3231199 (VCV003231199.1), dbSNP rs2542206852, ClinGen allele CA2825002184.